The following is an entry in ClinVar:

NM_001243925.2(MAPKAPK3):c.141G>C (p.Lys47Asn)

Gene: MAPKAPK3 (MAPK activated protein kinase 3; plus strand). Cytogenetic location: 3p21.2.
Variant type: single nucleotide variant.
Coding change: c.141G>C on transcript NM_001243925.2 (MANE Select); coding-DNA position 141, G replaced by C.
Protein change: p.Lys47Asn; replaces lysine 47 with asparagine.
Molecular consequence: missense variant.
Genome position (GRCh38, 1-based): chr3:50,617,706, G>C. VCF-style: chr3-50617706-G-C. GRCh37 (hg19) VCF-style: chr3-50655137-G-C.
Other names: c.141G>C, p.Lys47Asn (NM_001243926.2, NM_004635.5); short protein forms K47N.
Identifiers: ClinVar variation 1348857 (VCV001348857.8), dbSNP rs2107570186, ClinGen allele CA352961554.

ClinVar aggregate classification (germline): Uncertain significance (1 of 4 stars; one submission).

Submission:

Labcorp Genetics (formerly Invitae), Labcorp
Classification: Uncertain significance. Last evaluated: 2021-04-25. Review status: criteria provided, single submitter. Criteria: Invitae Variant Classification Sherloc (09022015). Collection method: clinical testing. Allele origin: germline.
Comment: In summary, the available evidence is currently insufficient to determine the role of this variant in disease. Therefore, it has been classified as a Variant of Uncertain Significance. Algorithms developed to predict the effect of missense changes on protein structure and function are either unavailable or do not agree on the potential impact of this missense change (SIFT: "Deleterious"; PolyPhen-2: "Benign"; Align-GVGD: "Class C65"). This variant has not been reported in the literature in individuals with MAPKAPK3-related conditions. This variant is not present in population databases (ExAC no frequency). This sequence change replaces lysine with asparagine at codon 47 of the MAPKAPK3 protein (p.Lys47Asn). The lysine residue is highly conserved and there is a moderate physicochemical difference between lysine and asparagine.